The following is an entry in ClinVar:

ClinVar aggregate classification (germline): Pathogenic (1 of 4 stars; one submission).

Conditions:
Joubert syndrome 17 (JBTS17). Identifiers: Orphanet 475, MedGen C3553264, MONDO:0013824, OMIM 614615.

Submission:

Institute of Human Genetics, University of Leipzig Medical Center
Classification: Pathogenic for Joubert syndrome 17. Last evaluated: 2023-12-13. Review status: criteria provided, single submitter. Criteria: ACMG Guidelines, 2015. Collection method: clinical testing. Allele origin: maternal. Inheritance: Autosomal recessive inheritance. Affected: yes.
Comment: Criteria applied: PVS1,PM2,PP4

NM_001384732.1(CPLANE1):c.8980del (p.Glu2993_Ile2994insTer)

Gene: CPLANE1 (ciliogenesis and planar polarity effector complex subunit 1; minus strand). Cytogenetic location: 5p13.2.
Variant type: Deletion.
Coding change: c.8980del on transcript NM_001384732.1 (MANE Select); coding-DNA position 8980, one base deleted (A; older notation c.8980delA).
Protein change: p.Glu2993_Ile2994insTer.
Molecular consequence: nonsense.
Genome position (GRCh38, 1-based): chr5:37,122,467, T deleted on the plus strand (A on the coding strand, the reverse complement: CPLANE1 is on the minus strand); the first of 3 consecutive T bases (chr5:37,122,467-37,122,469); deleting any one gives the same sequence. VCF-style (leftmost placement, unchanged base first): chr5-37122466-AT-A. GRCh37 (hg19) VCF-style: chr5-37122568-AT-A.
Other names: c.8818del, p.Glu2939_Ile2940insTer (NM_023073.4).
Identifiers: ClinVar variation 2691870 (VCV002691870.3), dbSNP rs2546659372, ClinGen allele CA2578290230.